The following is an entry in ClinVar:

NM_001384140.1(PCDH15):c.4671+1644A>G

Gene: PCDH15 (protocadherin related 15; minus strand). Cytogenetic location: 10q21.1.
Variant type: single nucleotide variant.
Coding change: c.4671+1644A>G on transcript NM_001384140.1 (MANE Select); 1644 bases into the intron after coding-DNA position 4671, A replaced by G.
Molecular consequence: intron variant. On other transcripts: missense variant (2), 3 prime UTR variant (1).
Genome position (GRCh38, 1-based): chr10:53,808,912, T>C on the plus strand (A>G on the coding strand, the complement: PCDH15 is on the minus strand). VCF-style: chr10-53808912-T-C. GRCh37 (hg19) VCF-style: chr10-55568672-T-C.
Other names: c.5153A>G, p.Glu1718Gly (NM_001142769.4); c.*568A>G (NM_001142770.3); c.5132A>G, p.Glu1711Gly (NM_001354411.2); c.4476+1644A>G (NM_001354420.2); c.4605+1644A>G (NM_001354429.2); c.4482+1644A>G (NM_001142772.2); c.4497+1644A>G (NM_001142771.2); short protein forms E1711G, E1718G.
Identifiers: ClinVar variation 3257408 (VCV003257408.17).

ClinVar aggregate classification (germline): Uncertain significance (1 of 4 stars; one submission).

Submission:

CeGaT Center for Human Genetics Tuebingen
Classification: Uncertain significance. Last evaluated: 2024-07-01. Review status: criteria provided, single submitter. Criteria: CeGaT Center For Human Genetics Tuebingen Variant Classification Criteria Version 2. Collection method: clinical testing. Allele origin: germline. Affected: yes. Observed: 1 variant allele.
Comment: PCDH15: PM2, BP4